The following is an entry in ClinVar:

NM_000059.4(BRCA2):c.8374del (p.Gly2793fs)

Gene: BRCA2 (BRCA2 DNA repair associated; plus strand). Cytogenetic location: 13q13.1.
Variant type: Deletion.
Coding change: c.8374del on transcript NM_000059.4 (MANE Select); coding-DNA position 8374, one base deleted (C; older notation c.8374delC).
Protein change: p.Gly2793fs; shifts the reading frame from glycine 2793.
Molecular consequence: frameshift variant.
Genome position (GRCh38, 1-based): chr13:32,370,444, C deleted. VCF-style (leftmost placement, unchanged base first): chr13-32370443-AC-A. GRCh37 (hg19) VCF-style: chr13-32944580-AC-A.
Other names: 8602delC; c.8374delC (NM_000059.3); short protein forms G2793fs.
Identifiers: ClinVar variation 91510 (VCV000091510.2), dbSNP rs398122605, ClinGen allele CA025611.
Genomic context (GRCh38, chr13:32,370,443, plus strand): 5'-TATTTATTAATTTGTCCAGATTTCTGCTAACAGTACTCGGCCTGCTCGCTGGTATACCAA[AC>A]TTGGATTCTTTCCTGACCCTAGACCTTTTCCTCTGCCCTTATCATCGCTTTTCAGTGATG-3'

ClinVar aggregate classification (germline): Pathogenic. Review status: reviewed by expert panel (3 of 4 stars). 2 submissions from 2 submitters: Pathogenic (1). 1 of the submissions does not count toward it. Last evaluated 2016-09-08.

Conditions:
Breast-ovarian cancer, familial, susceptibility to, 2 (BROVCA2). Also called: BRCA2 Hereditary Breast and Ovarian Cancer. Identifiers: Orphanet 145, MedGen C2675520, MONDO:0012933, OMIM 612555. Disease mechanism: loss of function.

Submissions (2):

Evidence-based Network for the Interpretation of Germline Mutant Alleles (ENIGMA)
Classification: Pathogenic for Breast-ovarian cancer, familial, susceptibility to, 2. Last evaluated: 2016-09-08. Review status: reviewed by expert panel. Criteria: ENIGMA BRCA1/2 Classification Criteria (2015). Collection method: curation. Allele origin: germline.
Comment: Variant allele predicted to encode a truncated non-functional protein.

Sharing Clinical Reports Project (SCRP)
Classification: Pathogenic for Breast-ovarian cancer, familial 2. Last evaluated: 2012-02-03. Review status: no assertion criteria provided. Collection method: clinical testing. Allele origin: germline. Not counted in ClinVar's aggregate classification.